The following is an entry in ClinVar:

ClinVar aggregate classification (germline): Uncertain significance (1 of 4 stars; one submission).

Conditions:
Cardiovascular phenotype. Identifiers: MedGen CN230736.

Submission:

Ambry Genetics
Classification: Uncertain significance for Cardiovascular phenotype. Last evaluated: 2020-09-04. Review status: criteria provided, single submitter. Criteria: Ambry Variant Classification Scheme 2023. Collection method: clinical testing. Allele origin: germline.
Comment: The p.S1709P variant (also known as c.5125T>C), located in coding exon 27 of the SCN10A gene, results from a T to C substitution at nucleotide position 5125. The serine at codon 1709 is replaced by proline, an amino acid with similar properties. This amino acid position is well conserved in available vertebrate species. In addition, this alteration is predicted to be deleterious by in silico analysis. Since supporting evidence is limited at this time, the clinical significance of this alteration remains unclear.

NM_006514.4(SCN10A):c.5125T>C (p.Ser1709Pro)

Gene: SCN10A (sodium voltage-gated channel alpha subunit 10; minus strand). Cytogenetic location: 3p22.2.
Variant type: single nucleotide variant.
Coding change: c.5125T>C on transcript NM_006514.4 (MANE Select); coding-DNA position 5125, T replaced by C.
Protein change: p.Ser1709Pro; replaces serine 1709 with proline.
Molecular consequence: missense variant.
Genome position (GRCh38, 1-based): chr3:38,698,095, A>G on the plus strand (T>C on the coding strand, the complement: SCN10A is on the minus strand). VCF-style: chr3-38698095-A-G. GRCh37 (hg19) VCF-style: chr3-38739586-A-G.
Other names: c.5122T>C, p.Ser1708Pro (NM_001293306.2); c.4831T>C, p.Ser1611Pro (NM_001293307.2); short protein forms S1611P, S1708P, S1709P.
Identifiers: ClinVar variation 1745505 (VCV001745505.2), dbSNP rs2470552871, ClinGen allele CA352154459.